The following is an entry in ClinVar:

ClinVar aggregate classification (germline): Conflicting classifications of pathogenicity. Review status: criteria provided, conflicting classifications (1 of 4 stars). 2 submissions from 2 submitters: Uncertain significance (1); Likely benign (1). Last evaluated 2024-12-05.

Conditions:
Primary ciliary dyskinesia. Also called: Ciliary dyskinesia. Identifiers: Orphanet 244, MedGen C0008780, MONDO:0016575, HP:0012265.

Allele frequency attached by ClinVar (database versions not stated): gnomAD 0.00001; ExAC 0.00003; gnomAD exomes 0.00004; TOPMed 0.00005.

Submissions (2):

Ambry Genetics
Classification: Likely benign for Primary ciliary dyskinesia. Last evaluated: 2024-12-05. Review status: criteria provided, single submitter. Criteria: Ambry Variant Classification Scheme 2023. Collection method: clinical testing. Allele origin: germline.

Labcorp Genetics (formerly Invitae), Labcorp
Classification: Uncertain significance for Primary ciliary dyskinesia. Last evaluated: 2021-08-28. Review status: criteria provided, single submitter. Criteria: Invitae Variant Classification Sherloc (09022015). Collection method: clinical testing. Allele origin: germline.
Comment: This sequence change replaces arginine with glutamine at codon 739 of the CCDC40 protein (p.Arg739Gln). The arginine residue is moderately conserved and there is a small physicochemical difference between arginine and glutamine. This variant is present in population databases (rs774558527, ExAC 0.02%). This variant has not been reported in the literature in individuals affected with CCDC40-related conditions. Algorithms developed to predict the effect of missense changes on protein structure and function output the following: SIFT: "Tolerated"; PolyPhen-2: "Benign"; Align-GVGD: "Class C0". The glutamine amino acid residue is found in multiple mammalian species, which suggests that this missense change does not adversely affect protein function. In summary, the available evidence is currently insufficient to determine the role of this variant in disease. Therefore, it has been classified as a Variant of Uncertain Significance.

NM_017950.4(CCDC40):c.2216G>A (p.Arg739Gln)

Gene: CCDC40 (coiled-coil domain 40 molecular ruler complex subunit; plus strand). Cytogenetic location: 17q25.3.
Variant type: single nucleotide variant.
Coding change: c.2216G>A on transcript NM_017950.4 (MANE Select); coding-DNA position 2216, G replaced by A.
Protein change: p.Arg739Gln; replaces arginine 739 with glutamine.
Molecular consequence: missense variant.
Genome position (GRCh38, 1-based): chr17:80,084,969, G>A. VCF-style: chr17-80084969-G-A. GRCh37 (hg19) VCF-style: chr17-78058768-G-A.
Other names: c.2216G>A (NM_017950.3); c.2216G>A, p.Arg739Gln (NM_001243342.2); short protein forms R739Q.
Identifiers: ClinVar variation 1504223 (VCV001504223.6), dbSNP rs774558527, ClinGen allele CA8814133.